The following is an entry in ClinVar:

NM_006944.3(SPP2):c.541C>T (p.Arg181Trp)

Gene: SPP2 (secreted phosphoprotein 2; plus strand). Cytogenetic location: 2q37.1.
Variant type: single nucleotide variant.
Coding change: c.541C>T on transcript NM_006944.3 (MANE Select); coding-DNA position 541, C replaced by T.
Protein change: p.Arg181Trp; replaces arginine 181 with tryptophan.
Molecular consequence: missense variant.
Genome position (GRCh38, 1-based): chr2:234,067,265, C>T. VCF-style: chr2-234067265-C-T. GRCh37 (hg19) VCF-style: chr2-234975909-C-T.
Other names: short protein forms R181W.
Identifiers: ClinVar variation 956174 (VCV000956174.7), dbSNP rs375462993, ClinGen allele CA2183249.

ClinVar aggregate classification (germline): Uncertain significance (1 of 4 stars; one submission).

Allele frequency attached by ClinVar (database versions not stated): ExAC 0.00005; gnomAD 0.00005 and 0.00006; TOPMed 0.00006; ESP Exome Variant Server 0.00008.
gnomAD v4.1: 152 of 1,613,868 alleles (0.0094%); highest among the groups gnomAD compares: Middle Eastern, 0.016%; 1 homozygote.

Submission:

Labcorp Genetics (formerly Invitae), Labcorp
Classification: Uncertain significance. Last evaluated: 2025-11-23. Review status: criteria provided, single submitter. Criteria: Invitae Variant Classification Sherloc (09022015). Collection method: clinical testing. Allele origin: germline.
Comment: This sequence change replaces arginine, which is basic and polar, with tryptophan, which is neutral and slightly polar, at codon 181 of the SPP2 protein (p.Arg181Trp). This variant is present in population databases (rs375462993, gnomAD 0.02%). This variant has not been reported in the literature in individuals affected with SPP2-related conditions. ClinVar contains an entry for this variant (Variation ID: 956174). An algorithm developed to predict the effect of missense changes on protein structure and function outputs the following: PolyPhen-2: "Probably Damaging". The tryptophan amino acid residue is found in multiple mammalian species, which suggests that this missense change does not adversely affect protein function. Algorithms developed to predict the effect of sequence changes on RNA splicing suggest that this variant may disrupt the consensus splice site. In summary, the available evidence is currently insufficient to determine the role of this variant in disease. Therefore, it has been classified as a Variant of Uncertain Significance.